The following is an entry in ClinVar:

NM_000059.4(BRCA2):c.7673A>T (p.Glu2558Val)

Gene: BRCA2 (BRCA2 DNA repair associated; plus strand). Cytogenetic location: 13q13.1.
Variant type: single nucleotide variant.
Coding change: c.7673A>T on transcript NM_000059.4 (MANE Select); coding-DNA position 7673, A replaced by T.
Protein change: p.Glu2558Val; replaces glutamic acid 2558 with valine.
Molecular consequence: missense variant.
Genome position (GRCh38, 1-based): chr13:32,357,797, A>T. VCF-style: chr13-32357797-A-T. GRCh37 (hg19) VCF-style: chr13-32931934-A-T.
Other names: 7901A>T; short protein forms E2558V.
Identifiers: ClinVar variation 91490 (VCV000091490.15), dbSNP rs398122589, ClinGen allele CA025218.
Genomic context (GRCh38, chr13:32,357,797, plus strand): 5'-TGTAGCTGTATACGTATGGCGTTTCTAAACATTGCATAAAAATTAACAGCAAAAATGCAG[A>T]GTCTTTTCAGTTTCACACTGAAGATTATTTTGGTAAGGAAAGTTTATGGACTGGAAAAGG-3'
Protein context (NP_000050.3, residues 2548-2568): HCIKINSKNA[Glu2558Val]SFQFHTEDYF

ClinVar aggregate classification (germline): Uncertain significance. Review status: criteria provided, multiple submitters, no conflicts (2 of 4 stars). 3 submissions from 3 submitters: Uncertain significance (2). 1 of the submissions does not count toward it. Last evaluated 2025-06-07.

Conditions:
Hereditary cancer-predisposing syndrome. Also called: Tumor predisposition; Hereditary Cancer Syndrome; Neoplastic Syndromes, Hereditary; Hereditary neoplastic syndrome. Identifiers: Orphanet 140162, MedGen C0027672, MeSH D009386, MONDO:0015356.
Hereditary breast ovarian cancer syndrome. Also called: Breast and ovarian cancer; Hereditary breast and ovarian cancer; Hereditary breast and ovarian cancer syndrome; BRCA1- and BRCA2-Associated Hereditary Breast and Ovarian Cancer; Hereditary breast and ovarian cancer syndrome (HBOC); Hereditary breast and/or ovarian cancer syndrome. Identifiers: Orphanet 145, MedGen C0677776, MeSH D061325, MONDO:0003582. Disease mechanism: loss of function.
Breast-ovarian cancer, familial, susceptibility to, 2 (BROVCA2). Also called: BRCA2 Hereditary Breast and Ovarian Cancer. Identifiers: Orphanet 145, MedGen C2675520, MONDO:0012933, OMIM 612555. Disease mechanism: loss of function.

Allele frequency attached by ClinVar (database versions not stated): gnomAD 0.00001.
gnomAD v4.1: 1 of 1,613,746 alleles (0.000062%); no homozygotes.

Submissions (3):

Ambry Genetics
Classification: Uncertain significance for Hereditary cancer-predisposing syndrome. Last evaluated: 2025-06-07. Review status: criteria provided, single submitter. Criteria: Ambry Variant Classification Scheme 2023. Collection method: clinical testing. Allele origin: germline.
Comment: The p.E2558V variant (also known as c.7673A>T), located in coding exon 15 of the BRCA2 gene, results from an A to T substitution at nucleotide position 7673. The glutamic acid at codon 2558 is replaced by valine, an amino acid with dissimilar properties. The results from two saturation genome editing-based studies, including a haploid cell-survival assay and a humanized mouse embryonic stem cell line assay of drug response and survival, are discordant for this nucleotide substitution (Huang H et al. Nature. 2025 Feb;638(8050):528-537; Sahu S et al. Nature. 2025 Feb;638(8050):538-545).This amino acid position is well conserved in available vertebrate species. In addition, the in silico prediction for this alteration is inconclusive. Since supporting evidence is limited at this time, the clinical significance of this alteration remains unclear.

Labcorp Genetics (formerly Invitae), Labcorp
Classification: Uncertain significance for Hereditary breast ovarian cancer syndrome. Last evaluated: 2018-03-15. Review status: criteria provided, single submitter. Criteria: Invitae Variant Classification Sherloc (09022015). Collection method: clinical testing. Allele origin: germline.
Comment: This sequence change replaces glutamic acid with valine at codon 2558 of the BRCA2 protein (p.Glu2558Val). The glutamic acid residue is highly conserved and there is a moderate physicochemical difference between glutamic acid and valine. This variant is not present in population databases (ExAC no frequency). This variant has not been reported in the literature in individuals with BRCA2-related disease. ClinVar contains an entry for this variant (Variation ID: 91490). Algorithms developed to predict the effect of missense changes on protein structure and function do not agree on the potential impact of this missense change (SIFT: "Tolerated"; PolyPhen-2: "Probably Damaging"; Align-GVGD: "Class C0"). In summary, the available evidence is currently insufficient to determine the role of this variant in disease. Therefore, it has been classified as a Variant of Uncertain Significance.

Sharing Clinical Reports Project (SCRP)
Classification: Uncertain significance for Breast-ovarian cancer, familial 2. Last evaluated: 2012-10-09. Review status: no assertion criteria provided. Collection method: clinical testing. Allele origin: germline. Not counted in ClinVar's aggregate classification.

Literature cited by the submitters: PubMed 39779848 (cited by Ambry Genetics); PubMed 39779857 (cited by Ambry Genetics).